The following is an entry in ClinVar:

NM_004415.4(DSP):c.7791C>A (p.Ser2597=)

Gene: DSP (desmoplakin; plus strand). Cytogenetic location: 6p24.3.
Variant type: single nucleotide variant.
Coding change: c.7791C>A on transcript NM_004415.4 (MANE Select); coding-DNA position 7791, C replaced by A.
Protein change: p.Ser2597=; no amino-acid change (serine 2597 retained).
Molecular consequence: synonymous variant.
Genome position (GRCh38, 1-based): chr6:7,585,053, C>A. VCF-style: chr6-7585053-C-A. GRCh37 (hg19) VCF-style: chr6-7585286-C-A.
Other names: c.5994C>A, p.Ser1998= (NM_001008844.3); c.6462C>A, p.Ser2154= (NM_001319034.2).
Identifiers: ClinVar variation 3073526 (VCV003073526.1), dbSNP rs2533947984, ClinGen allele CA448716522.

ClinVar aggregate classification (germline): Likely benign (1 of 4 stars; one submission).

Conditions:
Arrhythmogenic cardiomyopathy with wooly hair and keratoderma. Also called: PALMOPLANTAR KERATODERMA WITH LEFT VENTRICULAR CARDIOMYOPATHY AND WOOLLY HAIR; Carvajal syndrome; Dilated cardiomyopathy with woolly hair and keratoderma; Arrhythmogenic cardiomyopathy with woolly hair and keratoderma. Identifiers: Orphanet 65282, MedGen C1854063, MONDO:0011581, OMIM 605676.

Submission:

All of Us Research Program, National Institutes of Health
Classification: Likely benign for Arrhythmogenic cardiomyopathy with wooly hair and keratoderma. Last evaluated: 2023-10-02. Review status: criteria provided, single submitter. Criteria: ACMG Guidelines, 2015. Collection method: clinical testing. Allele origin: germline. Inheritance: Autosomal dominant inheritance. Observed: 1 variant allele, 1 heterozygote.
Comment: This study involves interpretation of variants in research participants for the purpose of population health screening. Participant phenotype was not available at the time of variant classification. Additional details can be found in publication PMID: 35346344, PMCID: PMC8962531